The following is an entry in ClinVar:

NM_024649.5(BBS1):c.1532C>T (p.Thr511Ile)

Genes: BBS1 (Bardet-Biedl syndrome 1; plus strand), ZDHHC24 (zDHHC palmitoyltransferase 24; minus strand). Cytogenetic location: 11q13.2.
Variant type: single nucleotide variant.
Coding change: c.1532C>T on transcript NM_024649.5 (MANE Select); coding-DNA position 1532, C replaced by T.
Protein change: p.Thr511Ile; replaces threonine 511 with isoleucine.
Molecular consequence: missense variant. On other transcripts: intron variant (1).
Genome position (GRCh38, 1-based): chr11:66,530,952, C>T. VCF-style: chr11-66530952-C-T. GRCh37 (hg19) VCF-style: chr11-66298423-C-T.
Other names: c.560-1464G>A (NM_001348571.2); short protein forms T511I.
Identifiers: ClinVar variation 1714191 (VCV001714191.6), dbSNP rs2495840920, ClinGen allele CA381425270.

ClinVar aggregate classification (germline): Uncertain significance (1 of 4 stars; one submission).

Conditions:
Bardet-Biedl syndrome (BBS). Identifiers: Orphanet 110, MedGen C0752166, MONDO:0015229.

Submission:

Labcorp Genetics (formerly Invitae), Labcorp
Classification: Uncertain significance for Bardet-Biedl syndrome. Last evaluated: 2023-05-22. Review status: criteria provided, single submitter. Criteria: Invitae Variant Classification Sherloc (09022015). Collection method: clinical testing. Allele origin: germline.
Comment: This variant is not present in population databases (gnomAD no frequency). This variant has not been reported in the literature in individuals affected with BBS1-related conditions. Advanced modeling of protein sequence and biophysical properties (such as structural, functional, and spatial information, amino acid conservation, physicochemical variation, residue mobility, and thermodynamic stability) performed at Invitae indicates that this missense variant is not expected to disrupt BBS1 protein function. ClinVar contains an entry for this variant (Variation ID: 1714191). In summary, the available evidence is currently insufficient to determine the role of this variant in disease. Therefore, it has been classified as a Variant of Uncertain Significance. This sequence change replaces threonine, which is neutral and polar, with isoleucine, which is neutral and non-polar, at codon 511 of the BBS1 protein (p.Thr511Ile).